The following is an entry in ClinVar:

NM_024675.4(PALB2):c.2047C>T (p.His683Tyr)

Gene: PALB2 (partner and localizer of BRCA2; minus strand). Cytogenetic location: 16p12.2.
Variant type: single nucleotide variant.
Coding change: c.2047C>T on transcript NM_024675.4 (MANE Select); coding-DNA position 2047, C replaced by T.
Protein change: p.His683Tyr; replaces histidine 683 with tyrosine.
Molecular consequence: missense variant.
Genome position (GRCh38, 1-based): chr16:23,630,107, G>A on the plus strand (C>T on the coding strand, the complement: PALB2 is on the minus strand). VCF-style: chr16-23630107-G-A. GRCh37 (hg19) VCF-style: chr16-23641428-G-A.
Other names: short protein forms H683Y.
Identifiers: ClinVar variation 492175 (VCV000492175.18), dbSNP rs1555460511, ClinGen allele CA395126847.

ClinVar aggregate classification (germline): Uncertain significance. Review status: criteria provided, multiple submitters, no conflicts (2 of 4 stars). 3 submissions from 3 submitters: Uncertain significance (3). Last evaluated 2024-08-17.

Conditions:
Hereditary cancer-predisposing syndrome. Also called: Hereditary neoplastic syndrome; Tumor predisposition; Hereditary Cancer Syndrome; Neoplastic Syndromes, Hereditary. Identifiers: Orphanet 140162, MedGen C0027672, MeSH D009386, MONDO:0015356.
Familial cancer of breast. Also called: Hereditary breast cancer; hereditary breast carcinoma; BREAST CANCER, FAMILIAL. Identifiers: Orphanet 227535, MedGen C0346153, MONDO:0016419, OMIM 114480. Disease mechanism: loss of function.

Allele frequency attached by ClinVar (database versions not stated): gnomAD 0.00001.

Submissions (3):

Labcorp Genetics (formerly Invitae), Labcorp
Classification: Uncertain significance for Familial cancer of breast. Last evaluated: 2024-08-17. Review status: criteria provided, single submitter. Criteria: Invitae Variant Classification Sherloc (09022015). Collection method: clinical testing. Allele origin: germline.
Comment: This sequence change replaces histidine, which is basic and polar, with tyrosine, which is neutral and polar, at codon 683 of the PALB2 protein (p.His683Tyr). This variant is not present in population databases (gnomAD no frequency). This variant has not been reported in the literature in individuals affected with PALB2-related conditions. ClinVar contains an entry for this variant (Variation ID: 492175). Invitae Evidence Modeling of protein sequence and biophysical properties (such as structural, functional, and spatial information, amino acid conservation, physicochemical variation, residue mobility, and thermodynamic stability) has been performed for this missense variant. However, the output from this modeling did not meet the statistical confidence thresholds required to predict the impact of this variant on PALB2 protein function. In summary, the available evidence is currently insufficient to determine the role of this variant in disease. Therefore, it has been classified as a Variant of Uncertain Significance.

Color Diagnostics, LLC DBA Color Health
Classification: Uncertain significance for Hereditary cancer-predisposing syndrome. Last evaluated: 2024-03-06. Review status: criteria provided, single submitter. Criteria: ACMG Guidelines, 2015. Collection method: clinical testing. Allele origin: germline.
Comment: This missense variant replaces histidine with tyrosine at codon 683 of the PALB2 protein. Computational prediction suggests that this variant may not impact protein structure and function (internally defined REVEL score threshold <= 0.5, PMID: 27666373). To our knowledge, functional studies have not been reported for this variant. This variant has not been reported in individuals affected with hereditary cancer in the literature. This variant has not been identified in the general population by the Genome Aggregation Database (gnomAD). The available evidence is insufficient to determine the role of this variant in disease conclusively. Therefore, this variant is classified as a Variant of Uncertain Significance.

Ambry Genetics
Classification: Uncertain significance for Hereditary cancer-predisposing syndrome. Last evaluated: 2021-03-23. Review status: criteria provided, single submitter. Criteria: Ambry Variant Classification Scheme 2023. Collection method: clinical testing. Allele origin: germline.
Comment: The p.H683Y variant (also known as c.2047C>T), located in coding exon 5 of the PALB2 gene, results from a C to T substitution at nucleotide position 2047. The histidine at codon 683 is replaced by tyrosine, an amino acid with similar properties. This amino acid position is poorly conserved in available vertebrate species. In addition, this alteration is predicted to be tolerated by in silico analysis. Since supporting evidence is limited at this time, the clinical significance of this alteration remains unclear.